The following is an entry in ClinVar:

NM_001159773.2(CANT1):c.159T>C (p.Ala53=)

Gene: CANT1 (calcium activated nucleotidase 1; minus strand). Cytogenetic location: 17q25.3.
Variant type: single nucleotide variant.
Coding change: c.159T>C on transcript NM_001159773.2 (MANE Select); coding-DNA position 159, T replaced by C.
Protein change: p.Ala53=; no amino-acid change (alanine 53 retained).
Molecular consequence: synonymous variant.
Genome position (GRCh38, 1-based): chr17:78,997,464, A>G on the plus strand (T>C on the coding strand, the complement: CANT1 is on the minus strand). VCF-style: chr17-78997464-A-G. GRCh37 (hg19) VCF-style: chr17-76993546-A-G.
Other names: c.159T>C, p.Ala53= (NM_001159772.2, NM_138793.4).
Identifiers: ClinVar variation 195398 (VCV000195398.21), dbSNP rs8077024, ClinGen allele CA201720.
Genomic context (GRCh38, chr17:78,997,464, plus strand): 5'-ATTGTGGGTGGGGGGCCTGCCGGGGGCCGGGCGGTGGGAGCAGAGCAGCCAGAGGATGGC[A>G]GCACCCACAAAGAACGTCAGGATCACCTTCCAGCGGGGGCGGAAGCGGGGGTCCGCGGCC-3'
Protein context (NP_001153245.1, residues 43-63): WKVILTFFVG[Ala53=]AILWLLCSHR

ClinVar aggregate classification (germline): Benign. Review status: criteria provided, multiple submitters, no conflicts (2 of 4 stars). 6 submissions from 6 submitters: Benign (6). Last evaluated 2026-02-04.

Conditions:
Desbuquois dysplasia 1 (DBQD1). Also called: MICROMELIC DWARFISM WITH VERTEBRAL AND METAPHYSEAL ABNORMALITIES AND ADVANCED CARPOTARSAL OSSIFICATION; DESBUQUOIS DYSPLASIA 1, KIM VARIANT. Identifiers: Orphanet 1425, MedGen C4012146, MONDO:0009629, OMIM 251450.

Allele frequency attached by ClinVar (database versions not stated): gnomAD exomes 0.31633 and 0.36381; gnomAD 0.35026 and 0.34524; 1000 Genomes Project 0.44349; TOPMed 0.36849; ESP Exome Variant Server 0.32101; ExAC 0.37905; 1000 Genomes Project 30x 0.44535.
gnomAD v4.1: 510,405 of 1,594,492 alleles (32%); highest among the groups gnomAD compares: East Asian, 62%; 86,903 homozygotes.

Submissions (6):

Labcorp Genetics (formerly Invitae), Labcorp
Classification: Benign. Last evaluated: 2026-02-04. Review status: criteria provided, single submitter. Criteria: Invitae Variant Classification Sherloc (09022015). Collection method: clinical testing. Allele origin: germline.

Women's Health and Genetics/Laboratory Corporation of America, LabCorp
Classification: Benign. Last evaluated: 2026-01-12. Review status: criteria provided, single submitter. Criteria: LabCorp Variant Classification Summary - May 2015. Collection method: clinical testing. Allele origin: germline.

GeneDx
Classification: Benign. Last evaluated: 2021-05-04. Review status: criteria provided, single submitter. Criteria: GeneDx Variant Classification Process June 2021. Collection method: clinical testing. Allele origin: germline. Affected: yes.

Illumina Laboratory Services, Illumina
Classification: Benign for Desbuquois dysplasia 1. Last evaluated: 2018-01-12. Review status: criteria provided, single submitter. Criteria: ICSL Variant Classification Criteria 13 December 2019. Collection method: clinical testing. Allele origin: germline.
Comment: This variant was observed in the ICSL laboratory as part of a predisposition screen in an ostensibly healthy population. It had not been previously curated by ICSL or reported in the Human Gene Mutation Database (HGMD: prior to June 1st, 2018), and was therefore a candidate for classification through an automated scoring system. Utilizing variant allele frequency, disease prevalence and penetrance estimates, and inheritance mode, an automated score was calculated to assess if this variant is too frequent to cause the disease. Based on the score and internal cut-off values, a variant classified as benign is not then subjected to further curation. The score for this variant resulted in a classification of benign for this disease.

Eurofins Ntd Llc (ga)
Classification: Benign. Last evaluated: 2015-03-17. Review status: criteria provided, single submitter. Criteria: EGL Classification Definitions 2015. Collection method: clinical testing. Allele origin: germline. Observed: 4 variant alleles, 2 heterozygotes, 2 homozygotes.

Breakthrough Genomics
Classification: Benign. Review status: criteria provided, single submitter. Criteria: ACMG Guidelines, 2015. Collection method: not provided. Allele origin: germline. Inheritance: Autosomal recessive inheritance. Affected: yes.